The following is an entry in ClinVar:

ClinVar aggregate classification (germline): Uncertain significance (1 of 4 stars; one submission).

Conditions:
Spastic paraplegia. Identifiers: MedGen C0037772, HP:0001258.

Allele frequency attached by ClinVar (database versions not stated): ExAC 0.00001.

Submission:

Labcorp Genetics (formerly Invitae), Labcorp
Classification: Uncertain significance for Spastic paraplegia. Last evaluated: 2025-08-29. Review status: criteria provided, single submitter. Criteria: Invitae Variant Classification Sherloc (09022015). Collection method: clinical testing. Allele origin: germline.
Comment: This sequence change falls in intron 5 of the HSPD1 gene. It does not directly change the encoded amino acid sequence of the HSPD1 protein. It affects a nucleotide within the consensus splice site. This variant is present in population databases (rs760045525, gnomAD no frequency). This variant has not been reported in the literature in individuals affected with HSPD1-related conditions. ClinVar contains an entry for this variant (Variation ID: 2152372). Variants that disrupt the consensus splice site are a relatively common cause of aberrant splicing (PMID: 17576681, 9536098). Algorithms developed to predict the effect of sequence changes on RNA splicing suggest that this variant is not likely to affect RNA splicing. In summary, the available evidence is currently insufficient to determine the role of this variant in disease. Therefore, it has been classified as a Variant of Uncertain Significance.

Literature cited by the submitters: PubMed 17576681; PubMed 9536098.

NM_002156.5(HSPD1):c.607-3T>C

Gene: HSPD1 (heat shock protein family D (Hsp60) member 1; minus strand). Cytogenetic location: 2q33.1.
Variant type: single nucleotide variant.
Coding change: c.607-3T>C on transcript NM_002156.5 (MANE Select); 3 bases into the intron before coding-DNA position 607, T replaced by C.
Molecular consequence: intron variant.
Genome position (GRCh38, 1-based): chr2:197,494,253, A>G on the plus strand (T>C on the coding strand, the complement: HSPD1 is on the minus strand). VCF-style: chr2-197494253-A-G. GRCh37 (hg19) VCF-style: chr2-198358977-A-G.
Other names: c.607-3T>C (NM_199440.2).
Identifiers: ClinVar variation 2152372 (VCV002152372.4), dbSNP rs760045525, ClinGen allele CA2043549.